The following is an entry in ClinVar:

ClinVar aggregate classification (germline): Pathogenic. Review status: criteria provided, multiple submitters, no conflicts (2 of 4 stars). 5 submissions from 5 submitters: Pathogenic (5). Last evaluated 2025-07-27.

Conditions:
Marfan syndrome (MFS). Also called: MARFAN SYNDROME, TYPE I; FBN1-Related Marfan Syndrome; Marfan syndrome type 1; Marfan's syndrome; Marfan syndrome, classic. Identifiers: Orphanet 284963, Orphanet 558, MedGen C0024796, MONDO:0007947, OMIM 154700.
Familial thoracic aortic aneurysm and aortic dissection (TAAD). Also called: Thoracic aortic aneurysms and dissections. Identifiers: Orphanet 91387, MedGen C4707243, MONDO:0019625.

Submissions (5):

Labcorp Genetics (formerly Invitae), Labcorp
Classification: Pathogenic for Marfan syndrome; Familial thoracic aortic aneurysm and aortic dissection. Last evaluated: 2025-07-27. Review status: criteria provided, single submitter. Criteria: Invitae Variant Classification Sherloc (09022015). Collection method: clinical testing. Allele origin: germline.
Comment: This sequence change replaces cysteine, which is neutral and slightly polar, with arginine, which is basic and polar, at codon 2221 of the FBN1 protein (p.Cys2221Arg). This variant is not present in population databases (gnomAD no frequency). This missense change has been observed in individuals with Marfan syndrome (PMID: 10486319, 11139245). It has also been observed to segregate with disease in related individuals. ClinVar contains an entry for this variant (Variation ID: 439708). Invitae Evidence Modeling of protein sequence and biophysical properties (such as structural, functional, and spatial information, amino acid conservation, physicochemical variation, residue mobility, and thermodynamic stability) indicates that this missense variant is expected to disrupt FBN1 protein function with a positive predictive value of 95%. Experimental studies have shown that this missense change affects FBN1 function (PMID: 10486319). This variant affects a cysteine residue in the EGF-like, TGFBP or hybrid motif domains of FBN1. Cysteine residues are believed to be involved in intramolecular disulfide bridges and have been shown to be important for FBN1 protein structure (PMID: 16905551, 19349279). In addition, missense substitutions affecting cysteine residues within these domains are significantly overrepresented among patients with Marfan syndrome (PMID: 16571647, 17701892). For these reasons, this variant has been classified as Pathogenic.

GeneDx
Classification: Pathogenic. Last evaluated: 2024-09-10. Review status: criteria provided, single submitter. Criteria: GeneDx Variant Classification Process June 2021. Collection method: clinical testing. Allele origin: germline. Affected: yes.
Comment: Identified in patients with an FBN1-related phenotype referred for genetic testing at GeneDx and in published literature (PMID: 10486319, 18435798, 11139245); Not observed at significant frequency in large population cohorts (gnomAD); Affects a cysteine residue within a calcium-binding EGF-like domain of the FBN1 gene, which may affect disulfide bonding and is predicted to alter the structure and function of the protein; cysteine substitutions in the calcium-binding EGF-like domains represent the majority of pathogenic missense changes associated with FBN1-related disorders (PMID: 10486319, 12938084); A published functional studies showed reduced fibrillin deposition in fibroblasts, suggesting a damaging effect (PMID: 10486319); In silico analysis supports that this missense variant has a deleterious effect on protein structure/function; This variant is associated with the following publications: (PMID: 16061422, 10486319, 11139245, 29357934, 31730815, 34320838, 35058154, 33282382, 12938084, 36588568, 37032444, 25907466, 18435798)

Center for Genomics, Ann and Robert H. Lurie Children's Hospital of Chicago
Classification: Pathogenic for Marfan syndrome. Last evaluated: 2023-01-17. Review status: criteria provided, single submitter. Criteria: ACMG Guidelines, 2015. Collection method: clinical testing. Allele origin: germline. Observed: 1 variant allele.
Comment: This variant has been reported in the literature in at least 9 individuals with suspicion or diagnoses of Marfan syndrome (Selected publications: Schrijver 1999 PMID: 10486319; Attanasio 2008 PMID: 18435798; Manucci 2020 PMID: 31730815; Proost 2015 PMID: 25907466; Meester 2022 PMID: 35058154), and was found to segregate with disease in at least 3 similarly affected family members (Matsukawa 2001 PMID:11139245; Becerra-Muñoz 2018 PMID:29357934). This variant is not present in gnomAD but is present in ClinVar, with several laboratories classifying it as pathogenic (Variation ID: 439708). This variant alters a cysteine residue in a calcium-binding EGF-like domain; cysteines in cbEGF-like domains of the fibrillin-1 protein are established as critical for protein structure and function (Robinson 2006 PMID: 16571647; Faivre 2007 PMID: 17701892). Evolutionary conservation and computational prediction tools strongly support that this variant impacts the encoded protein. In summary, this variant is classified as pathogenic.

Centre of Medical Genetics, University of Antwerp
Classification: Pathogenic for Marfan syndrome. Last evaluated: 2021-03-01. Review status: criteria provided, single submitter. Criteria: Submitter's publication. Collection method: research. Allele origin: unknown. Affected: yes.
Comment: PM2, PVS2, PP4

ARUP Laboratories, Molecular Genetics and Genomics, ARUP Laboratories
Classification: Pathogenic. Last evaluated: 2017-06-19. Review status: criteria provided, single submitter. Criteria: ARUP Molecular Germline Variant Investigation Process. Collection method: clinical testing. Allele origin: germline.
Comment: The p.Cys2221Arg variant has been previously reported in associated with Marfan syndrome and in vitro functional studies demonstrated that the p.Cys2221Arg variant impairs fibrillin deposition (Schrijver 1999). This variant occurs in a cysteine residue in one of the EGF-like domains of fibrillin-1 (Wu 1995). Each EGF-like domain contains six highly-conserved cysteines and the disulfide bridges formed between these residues are essential for protein folding; loss of one of these cysteines may interfere with proper disulfide bridge formation, disrupting protein structure. Accordingly, the revised Ghent nosology for Marfan syndrome lists missense variants of cysteine residues as one of the criteria for classification of a variant as pathogenic (Loeys 2010).

Literature cited by the submitters: PubMed 10486319 (cited by Labcorp Genetics (formerly Invitae), Labcorp); PubMed 11139245 (cited by Labcorp Genetics (formerly Invitae), Labcorp); PubMed 16905551 (cited by Labcorp Genetics (formerly Invitae), Labcorp); PubMed 19349279 (cited by Labcorp Genetics (formerly Invitae), Labcorp); PubMed 16571647 (cited by Labcorp Genetics (formerly Invitae), Labcorp); PubMed 17701892 (cited by Labcorp Genetics (formerly Invitae), Labcorp).

NM_000138.5(FBN1):c.6661T>C (p.Cys2221Arg)

Gene: FBN1 (fibrillin 1; minus strand). Cytogenetic location: 15q21.1.
Variant type: single nucleotide variant.
Coding change: c.6661T>C on transcript NM_000138.5 (MANE Select); coding-DNA position 6661, T replaced by C.
Protein change: p.Cys2221Arg; replaces cysteine 2221 with arginine.
Molecular consequence: missense variant.
Genome position (GRCh38, 1-based): chr15:48,432,944, A>G on the plus strand (T>C on the coding strand, the complement: FBN1 is on the minus strand). VCF-style: chr15-48432944-A-G. GRCh37 (hg19) VCF-style: chr15-48725141-A-G.
Other names: short protein forms C2221R.
Identifiers: ClinVar variation 439708 (VCV000439708.39), dbSNP rs113543334, ClinGen allele CA269523649.